The following is an entry in ClinVar:

ClinVar aggregate classification (germline): Likely benign (1 of 4 stars; one submission).

gnomAD v4.1: 78 of 1,614,000 alleles (0.0048%); highest among the groups gnomAD compares: Middle Eastern, 0.033%; no homozygotes.

Submission:

CeGaT Center for Human Genetics Tuebingen
Classification: Likely benign. Last evaluated: 2025-08-01. Review status: criteria provided, single submitter. Criteria: CeGaT Center For Human Genetics Tuebingen Variant Classification Criteria Version 2. Collection method: clinical testing. Allele origin: germline. Affected: yes. Observed: 2 variant alleles.
Comment: CAMK2G: BP4, BP7

NM_001367534.1(CAMK2G):c.453C>T (p.Ala151=)

Gene: CAMK2G (calcium/calmodulin dependent protein kinase II gamma; minus strand). Cytogenetic location: 10q22.2.
Variant type: single nucleotide variant.
Coding change: c.453C>T on transcript NM_001367534.1 (MANE Select); coding-DNA position 453, C replaced by T.
Protein change: p.Ala151=; no amino-acid change (alanine 151 retained).
Molecular consequence: synonymous variant. On other transcripts: 5 prime UTR variant (2), non-coding transcript variant (8).
Genome position (GRCh38, 1-based): chr10:73,849,077, G>A on the plus strand (C>T on the coding strand, the complement: CAMK2G is on the minus strand). VCF-style: chr10-73849077-G-A. GRCh37 (hg19) VCF-style: chr10-75608835-G-A.
Other names: c.453C>T, p.Ala151= (NM_001204492.2, NM_001222.4, NM_001320898.2 and 28 more transcripts); c.429C>T, p.Ala143= (NM_001367514.1, NM_001367525.1, NM_001367532.1); c.207C>T, p.Ala69= (NM_001367524.1, NM_001367539.1); c.141C>T, p.Ala47= (NM_001367537.1, NM_001367538.1); c.-119C>T (NM_001367540.1); c.-301C>T (NM_001367542.1).
Identifiers: ClinVar variation 3770601 (VCV003770601.13).
Genomic context (GRCh38, chr10:73,849,077, plus strand): 5'-CCAAGCCTGCTGCTCTCCCTGTACTTCGATGGCTAGGCCAAAATCAGCCAGCTTGACGGC[G>A]GCACCCTTGCATTTACTCGCCAGCAGCAGGTTCTCAGGCTGCAGAAGAAACACAGAGAAC-3'
Protein context (NP_001354463.1, residues 141-161): NLLLASKCKG[Ala151=]AVKLADFGLA